The following is an entry in ClinVar:

NM_003482.4(KMT2D):c.5668G>A (p.Asp1890Asn)

Gene: KMT2D (lysine methyltransferase 2D; minus strand). Cytogenetic location: 12q13.12.
Variant type: single nucleotide variant.
Coding change: c.5668G>A on transcript NM_003482.4 (MANE Select); coding-DNA position 5668, G replaced by A.
Protein change: p.Asp1890Asn; replaces aspartic acid 1890 with asparagine.
Molecular consequence: missense variant.
Genome position (GRCh38, 1-based): chr12:49,042,855, C>T on the plus strand (G>A on the coding strand, the complement: KMT2D is on the minus strand). VCF-style: chr12-49042855-C-T. GRCh37 (hg19) VCF-style: chr12-49436638-C-T.
Other names: short protein forms D1890N.
Identifiers: ClinVar variation 2818299 (VCV002818299.3), dbSNP rs2120560721, ClinGen allele CA384629321.

ClinVar aggregate classification (germline): Uncertain significance (1 of 4 stars; one submission).

Conditions:
Kabuki syndrome. Also called: Kabuki make-up syndrome; NIIKAWA-KUROKI SYNDROME. Identifiers: Orphanet 2322, MedGen C0796004, MONDO:0016512.

Submission:

Labcorp Genetics (formerly Invitae), Labcorp
Classification: Uncertain significance for Kabuki syndrome. Last evaluated: 2022-12-03. Review status: criteria provided, single submitter. Criteria: Invitae Variant Classification Sherloc (09022015). Collection method: clinical testing. Allele origin: germline.
Comment: In summary, the available evidence is currently insufficient to determine the role of this variant in disease. Therefore, it has been classified as a Variant of Uncertain Significance. This variant has not been reported in the literature in individuals affected with KMT2D-related conditions. This variant is not present in population databases (gnomAD no frequency). This sequence change replaces aspartic acid, which is acidic and polar, with asparagine, which is neutral and polar, at codon 1890 of the KMT2D protein (p.Asp1890Asn). Advanced modeling of protein sequence and biophysical properties (such as structural, functional, and spatial information, amino acid conservation, physicochemical variation, residue mobility, and thermodynamic stability) performed at Invitae indicates that this missense variant is not expected to disrupt KMT2D protein function.